The following is an entry in ClinVar:

NM_000535.7(PMS2):c.1145-15T>C

Gene: PMS2 (PMS1 homolog 2, mismatch repair system component; minus strand). Cytogenetic location: 7p22.1.
Variant type: single nucleotide variant.
Coding change: c.1145-15T>C on transcript NM_000535.7 (MANE Select); 15 bases into the intron before coding-DNA position 1145, T replaced by C.
Molecular consequence: intron variant.
Genome position (GRCh38, 1-based): chr7:5,987,635, A>G on the plus strand (T>C on the coding strand, the complement: PMS2 is on the minus strand). VCF-style: chr7-5987635-A-G. GRCh37 (hg19) VCF-style: chr7-6027266-A-G.
Other names: c.827-15T>C (NM_001322008.2, NM_001322007.2); c.584-15T>C (NM_001322010.2); c.740-15T>C (NM_001322004.2, NM_001322003.2, NM_001322009.2 and 1 more transcripts); c.572-15T>C (NM_001322013.2); c.212-15T>C (NM_001322012.2, NM_001322011.2); c.836-15T>C (NM_001322015.2); c.989-15T>C (NM_001322006.2); c.1145-15T>C (NM_001322014.2).
Identifiers: ClinVar variation 922393 (VCV000922393.8), dbSNP rs1783194597, ClinGen allele CA1139659568.

ClinVar aggregate classification (germline): Likely benign. Review status: criteria provided, multiple submitters, no conflicts (2 of 4 stars). 3 submissions from 3 submitters: Likely benign (3). Last evaluated 2025-01-29.

Conditions:
Hereditary nonpolyposis colorectal neoplasms. Identifiers: MedGen C0009405, MeSH D003123.
Hereditary cancer-predisposing syndrome. Also called: Neoplastic Syndromes, Hereditary; Tumor predisposition; Hereditary Cancer Syndrome; Hereditary neoplastic syndrome. Identifiers: Orphanet 140162, MedGen C0027672, MeSH D009386, MONDO:0015356.
Lynch syndrome 4 (LYNCH4). Also called: Colorectal cancer, hereditary nonpolyposis, type 4; Hereditary non-polyposis colorectal cancer, type 4. Identifiers: Orphanet 144, MedGen C1838333, MONDO:0013699, OMIM 614337. Disease mechanism: loss of function.

Allele frequency attached by ClinVar (database versions not stated): gnomAD exomes below 0.00001.
gnomAD v4.1: 1 of 1,547,530 alleles (0.000065%); highest among the groups gnomAD compares: Admixed American, 0.0017%; no homozygotes.

Submissions (3):

Myriad Genetics, Inc.
Classification: Likely benign for Lynch syndrome 4. Last evaluated: 2025-01-29. Review status: criteria provided, single submitter. Criteria: Myriad Autosomal Dominant, Autosomal Recessive and X-Linked Classification Criteria (2023). Collection method: clinical testing. Allele origin: unknown.
Comment: This variant is considered likely benign. This variant is intronic and is not expected to impact mRNA splicing.

Labcorp Genetics (formerly Invitae), Labcorp
Classification: Likely benign for Hereditary nonpolyposis colorectal neoplasms. Last evaluated: 2023-04-27. Review status: criteria provided, single submitter. Criteria: Invitae Variant Classification Sherloc (09022015). Collection method: clinical testing. Allele origin: germline.

Color Diagnostics, LLC DBA Color Health
Classification: Likely benign for Hereditary cancer-predisposing syndrome. Last evaluated: 2019-09-30. Review status: criteria provided, single submitter. Criteria: ACMG Guidelines, 2015. Collection method: clinical testing. Allele origin: germline.